The following is an entry in ClinVar:

NM_032977.4(CASP10):c.1297G>A (p.Glu433Lys)

Gene: CASP10 (caspase 10; plus strand). Cytogenetic location: 2q33.1.
Variant type: single nucleotide variant.
Coding change: c.1297G>A on transcript NM_032977.4 (MANE Select); coding-DNA position 1297, G replaced by A.
Protein change: p.Glu433Lys; replaces glutamic acid 433 with lysine.
Molecular consequence: missense variant. On other transcripts: 3 prime UTR variant (1).
Genome position (GRCh38, 1-based): chr2:201,209,444, G>A. VCF-style: chr2-201209444-G-A. GRCh37 (hg19) VCF-style: chr2-202074167-G-A.
Other names: c.1096G>A, p.Glu366Lys (NM_001206524.2); c.1168G>A, p.Glu390Lys (NM_001206542.2, NM_001230.5); c.1297G>A, p.Glu433Lys (NM_032974.5); c.*383G>A (NM_032976.4); short protein forms E433K, E366K, E390K.
Identifiers: ClinVar variation 581392 (VCV000581392.17), dbSNP rs200540853, ClinGen allele CA2053217.

ClinVar aggregate classification (germline): Conflicting classifications of pathogenicity. Review status: criteria provided, conflicting classifications (1 of 4 stars). 5 submissions from 5 submitters: Uncertain significance (2); Likely benign (1). 2 of the submissions do not count toward it. Last evaluated 2026-01-16.

Conditions:
Autoimmune lymphoproliferative syndrome type 2A (ALPS2A). Also called: CASP10-Related Autoimmune Lymphoproliferative Syndrome; Autoimmune lymphoproliferative syndrome type 2; AUTOIMMUNE LYMPHOPROLIFERATIVE SYNDROME, TYPE IIA. Identifiers: Orphanet 3261, MedGen C1858968, MONDO:0011383, OMIM 603909.

Allele frequency attached by ClinVar (database versions not stated): ExAC 0.00008; ESP Exome Variant Server 0.00008; gnomAD 0.00013 and 0.00014; TOPMed 0.00014; gnomAD exomes 0.00015 and 0.00021.
gnomAD v4.1: 331 of 1,613,920 alleles (0.021%); highest among the groups gnomAD compares: Non-Finnish European, 0.025%; no homozygotes.

Submissions (5):

Labcorp Genetics (formerly Invitae), Labcorp
Classification: Uncertain significance for Autoimmune lymphoproliferative syndrome type 2A. Last evaluated: 2026-01-16. Review status: criteria provided, single submitter. Criteria: Invitae Variant Classification Sherloc (09022015). Collection method: clinical testing. Allele origin: germline.
Comment: This sequence change replaces glutamic acid, which is acidic and polar, with lysine, which is basic and polar, at codon 433 of the CASP10 protein (p.Glu433Lys). This variant is present in population databases (rs200540853, gnomAD 0.02%). This missense change has been observed in individual(s) with clinical features of CASP10-related conditions (PMID: 38644452). ClinVar contains an entry for this variant (Variation ID: 581392). Invitae Evidence Modeling of protein sequence and biophysical properties (such as structural, functional, and spatial information, amino acid conservation, physicochemical variation, residue mobility, and thermodynamic stability) indicates that this missense variant is not expected to disrupt CASP10 protein function with a negative predictive value of 80%. In summary, the available evidence is currently insufficient to determine the role of this variant in disease. Therefore, it has been classified as a Variant of Uncertain Significance.

Blueprint Genetics
Classification: Likely benign. Last evaluated: 2024-11-18. Review status: criteria provided, single submitter. Criteria: ACMG Guidelines, 2015. Collection method: clinical testing. Allele origin: germline.

Institute for Clinical Genetics, University Hospital TU Dresden, University Hospital TU Dresden
Classification: Uncertain significance. Last evaluated: 2022-11-21. Review status: criteria provided, single submitter. Criteria: ACMG Guidelines, 2015. Collection method: clinical testing. Allele origin: germline.

Clinical Genetics DNA and cytogenetics Diagnostics Lab, Erasmus MC, Erasmus Medical Center
Classification: Likely benign. Review status: no assertion criteria provided. Collection method: clinical testing. Allele origin: germline. Affected: yes. Study: VKGL Data-share Consensus. Not counted in ClinVar's aggregate classification.

Diagnostic Laboratory, Department of Genetics, University Medical Center Groningen
Classification: Likely benign. Review status: no assertion criteria provided. Collection method: clinical testing. Allele origin: germline. Affected: yes. Study: VKGL Data-share Consensus. Not counted in ClinVar's aggregate classification.

Literature cited by the submitters: PubMed 38644452 (cited by Labcorp Genetics (formerly Invitae), Labcorp).